The following is an entry in ClinVar:

ClinVar aggregate classification (germline): Conflicting classifications of pathogenicity. Review status: criteria provided, conflicting classifications (1 of 4 stars). 3 submissions from 3 submitters: Uncertain significance (1); Likely benign (1). 1 of the submissions does not count toward it. Last evaluated 2025-12-10.

Conditions:
Hereditary cancer-predisposing syndrome. Also called: Hereditary Cancer Syndrome; Hereditary neoplastic syndrome; Tumor predisposition; Neoplastic Syndromes, Hereditary. Identifiers: Orphanet 140162, MedGen C0027672, MeSH D009386, MONDO:0015356.

Allele frequency attached by ClinVar (database versions not stated): gnomAD 0.00001.
gnomAD v4.1: 4 of 1,610,210 alleles (0.00025%); highest among the groups gnomAD compares: East Asian, 0.0067%; no homozygotes.

Submissions (3):

Labcorp Genetics (formerly Invitae), Labcorp
Classification: Uncertain significance. Last evaluated: 2025-12-10. Review status: criteria provided, single submitter. Criteria: Invitae Variant Classification Sherloc (09022015). Collection method: clinical testing. Allele origin: germline.
Comment: This sequence change replaces alanine, which is neutral and non-polar, with serine, which is neutral and polar, at codon 16 of the XRCC2 protein (p.Ala16Ser). This variant is present in population databases (rs4987090, gnomAD 0.02%). This missense change has been observed in individual(s) with bladder cancer and/or breast cancer (PMID: 17557904, 22464251). ClinVar contains an entry for this variant (Variation ID: 843094). An algorithm developed to predict the effect of missense changes on protein structure and function (PolyPhen-2) suggests that this variant is likely to be disruptive. Experimental studies have shown that this missense change does not substantially affect XRCC2 function (PMID: 27233470). In summary, the available evidence is currently insufficient to determine the role of this variant in disease. Therefore, it has been classified as a Variant of Uncertain Significance.

Ambry Genetics
Classification: Likely benign for Hereditary cancer-predisposing syndrome. Last evaluated: 2023-10-25. Review status: criteria provided, single submitter. Criteria: Ambry Variant Classification Scheme 2023. Collection method: clinical testing. Allele origin: germline.

Leiden Open Variation Database
Classification: Uncertain significance. Last evaluated: 2012-05-02. Review status: no assertion criteria provided. Collection method: curation. Allele origin: germline. Affected: yes. Not counted in ClinVar's aggregate classification.
Comment: Curator: Arleen D. Auerbach. Submitter to LOVD: Johan den Dunnen.

Literature cited by the submitters: PubMed 17557904 (cited by Labcorp Genetics (formerly Invitae), Labcorp); PubMed 22464251 (cited by 3 submitters); PubMed 27233470 (cited by Labcorp Genetics (formerly Invitae), Labcorp and Ambry Genetics); PubMed 26787654 (cited by Ambry Genetics).

NM_005431.2(XRCC2):c.46G>T (p.Ala16Ser)

Gene: XRCC2 (X-ray repair cross complementing 2; minus strand). Cytogenetic location: 7q36.1.
Variant type: single nucleotide variant.
Coding change: c.46G>T on transcript NM_005431.2 (MANE Select); coding-DNA position 46, G replaced by T.
Protein change: p.Ala16Ser; replaces alanine 16 with serine.
Molecular consequence: missense variant.
Genome position (GRCh38, 1-based): chr7:152,660,776, C>A on the plus strand (G>T on the coding strand, the complement: XRCC2 is on the minus strand). VCF-style: chr7-152660776-C-A. GRCh37 (hg19) VCF-style: chr7-152357861-C-A.
Other names: short protein forms A16S.
Identifiers: ClinVar variation 843094 (VCV000843094.11), dbSNP rs4987090, ClinGen allele CA4582416.
Genomic context (GRCh38, chr7:152,660,776, plus strand): 5'-CTTCATCAGCAAACAGATTTGGTTCTATTTCTTTCAAGGAACTTCTACCTTCAAGTCGGG[C>A]AAGGAGCTTATAAAAGAAGAGAGAAGGAAAACTCATTATTTAAAAATATAAAATCCTAGA-3'
Protein context (NP_005422.1, residues 6-26): HRAESGTELL[Ala16Ser]RLEGRSSLKE